The following is an entry in ClinVar:

ClinVar aggregate classification (germline): Uncertain significance (1 of 4 stars; one submission).

gnomAD v4.1: 7 of 1,595,038 alleles (0.00044%); highest among the groups gnomAD compares: African/African-American, 0.0067%; no homozygotes.

Submission:

Labcorp Genetics (formerly Invitae), Labcorp
Classification: Uncertain significance. Last evaluated: 2025-09-09. Review status: criteria provided, single submitter. Criteria: Invitae Variant Classification Sherloc (09022015). Collection method: clinical testing. Allele origin: germline.
Comment: This sequence change replaces alanine, which is neutral and non-polar, with valine, which is neutral and non-polar, at codon 129 of the NRL protein (p.Ala129Val). The frequency data for this variant in the population databases is considered unreliable, as metrics indicate poor data quality at this position in the gnomAD database. This variant has not been reported in the literature in individuals affected with NRL-related conditions. An algorithm developed to predict the effect of missense changes on protein structure and function (PolyPhen-2) suggests that this variant is likely to be tolerated. In summary, the available evidence is currently insufficient to determine the role of this variant in disease. Therefore, it has been classified as a Variant of Uncertain Significance.

NM_001354768.3(NRL):c.386C>T (p.Ala129Val)

Gene: NRL (neural retina leucine zipper; minus strand). Cytogenetic location: 14q11.2.
Variant type: single nucleotide variant.
Coding change: c.386C>T on transcript NM_001354768.3 (MANE Select); coding-DNA position 386, C replaced by T.
Protein change: p.Ala129Val; replaces alanine 129 with valine.
Molecular consequence: missense variant.
Genome position (GRCh38, 1-based): chr14:24,081,564, G>A on the plus strand (C>T on the coding strand, the complement: NRL is on the minus strand). VCF-style: chr14-24081564-G-A. GRCh37 (hg19) VCF-style: chr14-24550773-G-A.
Other names: c.386C>T, p.Ala129Val (NM_001354769.1, NM_006177.5); c.71C>T, p.Ala24Val (NM_001354770.2); short protein forms A24V, A129V.
Identifiers: ClinVar variation 4755142 (VCV004755142.1).